The following is an entry in ClinVar:

NM_021224.6(ZNF462):c.1735C>A (p.Gln579Lys)

Gene: ZNF462 (zinc finger protein 462; plus strand). Cytogenetic location: 9q31.2.
Variant type: single nucleotide variant.
Coding change: c.1735C>A on transcript NM_021224.6 (MANE Select); coding-DNA position 1735, C replaced by A.
Protein change: p.Gln579Lys; replaces glutamine 579 with lysine.
Molecular consequence: missense variant.
Genome position (GRCh38, 1-based): chr9:106,925,647, C>A. VCF-style: chr9-106925647-C-A. GRCh37 (hg19) VCF-style: chr9-109687928-C-A.
Other names: c.1735C>A, p.Gln579Lys (NM_001347997.2); short protein forms Q579K.
Identifiers: ClinVar variation 2504326 (VCV002504326.1), dbSNP rs2538740342, ClinGen allele CA374385639.

ClinVar aggregate classification (germline): Uncertain significance (1 of 4 stars; one submission).

Submission:

GeneDx
Classification: Uncertain significance. Last evaluated: 2022-12-01. Review status: criteria provided, single submitter. Criteria: GeneDx Variant Classification Process June 2021. Collection method: clinical testing. Allele origin: germline. Affected: yes.
Comment: Not observed at significant frequency in large population cohorts (gnomAD); In silico analysis supports that this missense variant does not alter protein structure/function; Has not been previously published as pathogenic or benign to our knowledge